The following is an entry in ClinVar:

NM_000051.4(ATM):c.3280A>G (p.Asn1094Asp)

Gene: ATM (ATM serine/threonine kinase; plus strand). Cytogenetic location: 11q22.3.
Variant type: single nucleotide variant.
Coding change: c.3280A>G on transcript NM_000051.4 (MANE Select); coding-DNA position 3280, A replaced by G.
Protein change: p.Asn1094Asp; replaces asparagine 1094 with aspartic acid.
Molecular consequence: missense variant.
Genome position (GRCh38, 1-based): chr11:108,272,848, A>G. VCF-style: chr11-108272848-A-G. GRCh37 (hg19) VCF-style: chr11-108143575-A-G.
Other names: c.3280A>G, p.Asn1094Asp (NM_001351834.2); short protein forms N1094D.
Identifiers: ClinVar variation 823411 (VCV000823411.10), dbSNP rs1591610333, ClinGen allele CA382516247.

ClinVar aggregate classification (germline): Uncertain significance. Review status: criteria provided, multiple submitters, no conflicts (2 of 4 stars). 2 submissions from 2 submitters: Uncertain significance (2). Last evaluated 2025-07-09.

Conditions:
Hereditary cancer-predisposing syndrome. Also called: Hereditary Cancer Syndrome; Neoplastic Syndromes, Hereditary; Hereditary neoplastic syndrome; Tumor predisposition. Identifiers: Orphanet 140162, MedGen C0027672, MeSH D009386, MONDO:0015356.
Ataxia-telangiectasia syndrome (AT). Also called: Cerebello-oculocutaneous telangiectasia; Immunodeficiency with ataxia telangiectasia; Ataxia-telangiectasia, complementation group E; Ataxia-telangiectasia, complementation group D; AT, COMPLEMENTATION GROUP C; ATAXIA-TELANGIECTASIA, COMPLEMENTATION GROUP A. Identifiers: Orphanet 100, MedGen C0004135, MONDO:0008840, OMIM 208900.

Allele frequency attached by ClinVar (database versions not stated): gnomAD exomes below 0.00001.
gnomAD v4.1: 4 of 1,614,032 alleles (0.00025%); highest among the groups gnomAD compares: South Asian, 0.0033%; no homozygotes.

Submissions (2):

Ambry Genetics
Classification: Uncertain significance for Hereditary cancer-predisposing syndrome. Last evaluated: 2025-07-09. Review status: criteria provided, single submitter. Criteria: Ambry Variant Classification Scheme 2023. Collection method: clinical testing. Allele origin: germline.
Comment: The p.N1094D variant (also known as c.3280A>G), located in coding exon 21 of the ATM gene, results from an A to G substitution at nucleotide position 3280. The asparagine at codon 1094 is replaced by aspartic acid, an amino acid with highly similar properties. This amino acid position is poorly conserved in available vertebrate species. In addition, this alteration is predicted to be tolerated by in silico analysis. Since supporting evidence is limited at this time, the clinical significance of this alteration remains unclear.

Labcorp Genetics (formerly Invitae), Labcorp
Classification: Uncertain significance for Ataxia-telangiectasia syndrome. Last evaluated: 2021-09-02. Review status: criteria provided, single submitter. Criteria: Invitae Variant Classification Sherloc (09022015). Collection method: clinical testing. Allele origin: germline.
Comment: This sequence change replaces asparagine with aspartic acid at codon 1094 of the ATM protein (p.Asn1094Asp). The asparagine residue is weakly conserved and there is a small physicochemical difference between asparagine and aspartic acid. This variant is not present in population databases (ExAC no frequency). This variant has not been reported in the literature in individuals affected with ATM-related conditions. Algorithms developed to predict the effect of missense changes on protein structure and function (SIFT, PolyPhen-2, Align-GVGD) all suggest that this variant is likely to be tolerated. In summary, the available evidence is currently insufficient to determine the role of this variant in disease. Therefore, it has been classified as a Variant of Uncertain Significance.